The following is an entry in ClinVar:

ClinVar aggregate classification (germline): Uncertain significance (1 of 4 stars; one submission).

Submission:

Women's Health and Genetics/Laboratory Corporation of America, LabCorp
Classification: Uncertain significance. Last evaluated: 2026-03-12. Review status: criteria provided, single submitter. Criteria: LabCorp Variant Classification Summary - May 2015. Collection method: clinical testing. Allele origin: germline.
Comment: Variant summary: PKD1 c.842_847delACGGAC (p.His281_Gly282del) results in an in-frame deletion that is predicted to remove two amino acids from the encoded protein. The variant was absent in 201054 control chromosomes. The available data on variant occurrences in the general population are insufficient to allow any conclusion about variant significance. To our knowledge, no occurrence of c.842_847delACGGAC in individuals affected with PKD1-related conditions and no experimental evidence demonstrating its impact on protein function have been reported. No submitters have cited clinical-significance assessments for this variant to ClinVar. Based on the evidence outlined above, the variant was classified as uncertain significance.

NM_001009944.3(PKD1):c.842_847del (p.His281_Gly282del)

Gene: PKD1 (polycystin 1, transient receptor potential channel interacting; minus strand). Cytogenetic location: 16p13.3.
Variant type: Deletion.
Coding change: c.842_847del on transcript NM_001009944.3 (MANE Select); coding-DNA positions 842 to 847, 6 bases deleted (ACGGAC; older notation c.842_847delACGGAC).
Protein change: p.His281_Gly282del.
Genome position (GRCh38, 1-based): chr16:2,118,145-2,118,150, GTCCGT deleted on the plus strand (ACGGAC on the coding strand, the reverse complement: PKD1 is on the minus strand); deleting any 6 consecutive bases within chr16:2,118,145-2,118,151 gives the same sequence; the c. name uses the placement nearest the transcript's 3' end. VCF-style (leftmost placement, unchanged base first): chr16-2118144-GGTCCGT-G. GRCh37 (hg19) VCF-style: chr16-2168145-GGTCCGT-G.
Other names: c.842_847delACGGAC (NM_001009944.3); c.842_847del, p.His281_Gly282del (NM_000296.4).
Identifiers: ClinVar variation 4847303 (VCV004847303.1).